The following is an entry in ClinVar:

ClinVar aggregate classification (germline): Pathogenic (1 of 4 stars; one submission).

Conditions:
Joubert syndrome. Also called: JOUBERT-BOLTSHAUSER SYNDROME; Familial aplasia of the vermis. Identifiers: Orphanet 475, MedGen C5979921, MONDO:0018772.
Meckel-Gruber syndrome. Also called: DYSENCEPHALIA SPLANCHNOCYSTICA; GRUBER SYNDROME; Dysencephalia splachnocystica. Identifiers: Orphanet 564, MedGen C0265215, MONDO:0018921.

Submission:

Labcorp Genetics (formerly Invitae), Labcorp
Classification: Pathogenic for Joubert syndrome; Meckel-Gruber syndrome. Last evaluated: 2023-04-17. Review status: criteria provided, single submitter. Criteria: Invitae Variant Classification Sherloc (09022015). Collection method: clinical testing. Allele origin: germline.
Comment: For these reasons, this variant has been classified as Pathogenic. This variant has not been reported in the literature in individuals affected with CC2D2A-related conditions. This variant is not present in population databases (gnomAD no frequency). This sequence change creates a premature translational stop signal (p.Ile10*) in the CC2D2A gene. It is expected to result in an absent or disrupted protein product. Loss-of-function variants in CC2D2A are known to be pathogenic (PMID: 19777577).

Literature cited by the submitters: PubMed 19777577.

NM_001378615.1(CC2D2A):c.28del (p.Lys9_Ile10insTer)

Genes: CC2D2A (coiled-coil and C2 domain containing 2A; plus strand), FBXL5 (F-box and leucine rich repeat protein 5; minus strand). Cytogenetic location: 4p15.32.
Variant type: Deletion.
Coding change: c.28del on transcript NM_001378615.1 (MANE Select); coding-DNA position 28, one base deleted (A; older notation c.28delA).
Protein change: p.Lys9_Ile10insTer.
Molecular consequence: nonsense.
Genome position (GRCh38, 1-based): chr4:15,475,960, A deleted; the last of 5 consecutive A bases (chr4:15,475,956-15,475,960); deleting any one gives the same sequence. VCF-style (leftmost placement, unchanged base first): chr4-15475955-TA-T. GRCh37 (hg19) VCF-style: chr4-15477579-TA-T.
Other names: c.28del, p.Lys9_Ile10insTer (NM_001080522.2, NM_001164720.3, NM_020785.2).
Identifiers: ClinVar variation 2943732 (VCV002943732.3), dbSNP rs2474814375, ClinGen allele CA2670068868.